The following is an entry in ClinVar:

ClinVar aggregate classification (germline): Uncertain significance. Review status: criteria provided, multiple submitters, no conflicts (2 of 4 stars). 4 submissions from 4 submitters: Uncertain significance (4). Last evaluated 2026-09-15.

Conditions:
Meckel-Gruber syndrome. Also called: GRUBER SYNDROME; DYSENCEPHALIA SPLANCHNOCYSTICA; Dysencephalia splachnocystica. Identifiers: Orphanet 564, MedGen C0265215, MONDO:0018921.
Joubert syndrome. Also called: Familial aplasia of the vermis; JOUBERT-BOLTSHAUSER SYNDROME. Identifiers: Orphanet 475, MedGen C5979921, MONDO:0018772.
RPGRIP1L-related disorder. Also called: RPGRIP1L-related disorders; RPGRIP1L-related condition. Identifiers: MedGen CN239416.

Allele frequency attached by ClinVar (database versions not stated): gnomAD exomes 0.00002 and 0.00003; TOPMed 0.00002; gnomAD 0.00004 and 0.00005.
gnomAD v4.1: 46 of 1,611,896 alleles (0.0029%); highest among the groups gnomAD compares: South Asian, 0.013%; no homozygotes.

Submissions (4):

PreventionGenetics, part of Exact Sciences
Classification: Uncertain significance for RPGRIP1L-related condition. Last evaluated: 2026-09-15. Review status: criteria provided, single submitter. Criteria: ACMG Guidelines, 2015. Collection method: clinical testing. Allele origin: germline.
Comment: The RPGRIP1L c.1805G>A variant is predicted to result in the amino acid substitution p.Arg602Gln. To our knowledge, this variant has not been reported in the literature. This variant is reported in 0.0040% of alleles in individuals of African descent in gnomAD. At this time, the clinical significance of this variant is uncertain due to the absence of conclusive functional and genetic evidence.

Labcorp Genetics (formerly Invitae), Labcorp
Classification: Uncertain significance for Joubert syndrome; Meckel-Gruber syndrome. Last evaluated: 2024-12-02. Review status: criteria provided, single submitter. Criteria: Invitae Variant Classification Sherloc (09022015). Collection method: clinical testing. Allele origin: germline.
Comment: This sequence change replaces arginine, which is basic and polar, with glutamine, which is neutral and polar, at codon 602 of the RPGRIP1L protein (p.Arg602Gln). This variant is present in population databases (no rsID available, gnomAD 0.004%). This variant has not been reported in the literature in individuals affected with RPGRIP1L-related conditions. ClinVar contains an entry for this variant (Variation ID: 866501). Invitae Evidence Modeling of protein sequence and biophysical properties (such as structural, functional, and spatial information, amino acid conservation, physicochemical variation, residue mobility, and thermodynamic stability) has been performed for this missense variant. However, the output from this modeling did not meet the statistical confidence thresholds required to predict the impact of this variant on RPGRIP1L protein function. In summary, the available evidence is currently insufficient to determine the role of this variant in disease. Therefore, it has been classified as a Variant of Uncertain Significance.

Blueprint Genetics
Classification: Uncertain significance. Last evaluated: 2023-01-05. Review status: criteria provided, single submitter. Criteria: ACMG Guidelines, 2015. Collection method: clinical testing. Allele origin: germline.

GeneDx
Classification: Uncertain significance. Last evaluated: 2019-06-11. Review status: criteria provided, single submitter. Criteria: GeneDx Variant Classification Process June 2021. Collection method: clinical testing. Allele origin: germline. Affected: yes.
Comment: Has not been previously published as pathogenic or benign to our knowledge; Not observed at a significant frequency in large population cohorts (Lek et al., 2016); In silico analysis, which includes protein predictors and evolutionary conservation, supports that this variant does not alter protein structure/function

NM_015272.5(RPGRIP1L):c.1805G>A (p.Arg602Gln)

Gene: RPGRIP1L (RPGRIP1 like; minus strand). Cytogenetic location: 16q12.2.
Variant type: single nucleotide variant.
Coding change: c.1805G>A on transcript NM_015272.5 (MANE Select); coding-DNA position 1805, G replaced by A.
Protein change: p.Arg602Gln; replaces arginine 602 with glutamine.
Molecular consequence: missense variant.
Genome position (GRCh38, 1-based): chr16:53,652,882, C>T on the plus strand (G>A on the coding strand, the complement: RPGRIP1L is on the minus strand). VCF-style: chr16-53652882-C-T. GRCh37 (hg19) VCF-style: chr16-53686794-C-T.
Other names: c.1805G>A (NM_015272.4); c.1805G>A, p.Arg602Gln (NM_001127897.4, NM_001308334.3, NM_001330538.2); short protein forms R602Q.
Identifiers: ClinVar variation 866501 (VCV000866501.13), dbSNP rs902687917, ClinGen allele CA281344286.